The following is an entry in ClinVar:

ClinVar aggregate classification (germline): Uncertain significance. Review status: criteria provided, multiple submitters, no conflicts (2 of 4 stars). 4 submissions from 4 submitters: Uncertain significance (4). Last evaluated 2025-04-13.

Conditions:
Facial dysmorphism-immunodeficiency-livedo-short stature syndrome. Also called: Facial dysmorphism, immunodeficiency, livedo, and short stature; FILS syndrome. Identifiers: Orphanet 352712, MedGen C3554576, MONDO:0014058, OMIM 615139.
Intrauterine growth retardation, metaphyseal dysplasia, adrenal hypoplasia congenita, genital anomalies, and immunodeficiency. Also called: IMAGEI SYNDROME. Identifiers: MedGen C5193036, MONDO:0032684, OMIM 618336.
Colorectal cancer, susceptibility to, 12 (CRCS12). Also called: COLORECTAL CANCER, SUSCEPTIBILITY TO, ON CHROMOSOME 12q24. Identifiers: Orphanet 220460, MedGen C3554460, MONDO:0014038, OMIM 615083.
Hereditary cancer-predisposing syndrome. Also called: Hereditary neoplastic syndrome; Neoplastic Syndromes, Hereditary; Tumor predisposition; Hereditary Cancer Syndrome. Identifiers: Orphanet 140162, MedGen C0027672, MeSH D009386, MONDO:0015356.

Allele frequency attached by ClinVar (database versions not stated): ExAC 0.00001; gnomAD 0.00001; gnomAD exomes 0.00001; TOPMed 0.00001; 1000 Genomes Project 30x 0.00016; 1000 Genomes Project 0.00020.
gnomAD v4.1: 13 of 1,614,156 alleles (0.00081%); highest among the groups gnomAD compares: African/African-American, 0.004%; no homozygotes.

Submissions (4):

Labcorp Genetics (formerly Invitae), Labcorp
Classification: Uncertain significance. Last evaluated: 2025-04-13. Review status: criteria provided, single submitter. Criteria: Invitae Variant Classification Sherloc (09022015). Collection method: clinical testing. Allele origin: germline.
Comment: This sequence change replaces arginine, which is basic and polar, with histidine, which is basic and polar, at codon 742 of the POLE protein (p.Arg742His). This variant is present in population databases (rs116360781, gnomAD 0.007%). This variant has not been reported in the literature in individuals affected with POLE-related conditions. ClinVar contains an entry for this variant (Variation ID: 246203). Invitae Evidence Modeling of protein sequence and biophysical properties (such as structural, functional, and spatial information, amino acid conservation, physicochemical variation, residue mobility, and thermodynamic stability) indicates that this missense variant is expected to disrupt POLE protein function with a positive predictive value of 80%. In summary, the available evidence is currently insufficient to determine the role of this variant in disease. Therefore, it has been classified as a Variant of Uncertain Significance.

Ambry Genetics
Classification: Uncertain significance for Hereditary cancer-predisposing syndrome. Last evaluated: 2024-12-23. Review status: criteria provided, single submitter. Criteria: Ambry Variant Classification Scheme 2023. Collection method: clinical testing. Allele origin: germline.
Comment: The p.R742H variant (also known as c.2225G>A), located in coding exon 20 of the POLE gene, results from a G to A substitution at nucleotide position 2225. The arginine at codon 742 is replaced by histidine, an amino acid with highly similar properties. This amino acid position is highly conserved in available vertebrate species. In addition, the in silico prediction for this alteration is inconclusive. Based on the available evidence, the clinical significance of this variant remains unclear.

Fulgent Genetics
Classification: Uncertain significance for Colorectal cancer, susceptibility to, 12; Facial dysmorphism-immunodeficiency-livedo-short stature syndrome; Intrauterine growth retardation, metaphyseal dysplasia, adrenal hypoplasia congenita, genital anomalies, and immunodeficiency. Last evaluated: 2021-10-27. Review status: criteria provided, single submitter. Criteria: ACMG Guidelines, 2015. Collection method: clinical testing. Allele origin: unknown.

GeneDx
Classification: Uncertain significance. Last evaluated: 2019-09-24. Review status: criteria provided, single submitter. Criteria: GeneDx Variant Classification Process June 2021. Collection method: clinical testing. Allele origin: germline. Affected: yes.
Comment: In silico analysis, which includes protein predictors and evolutionary conservation, supports a deleterious effect; Has not been previously published as a pathogenic or benign germline variant to our knowledge; This variant is associated with the following publications: (PMID: 25490274, 29320758)

NM_006231.4(POLE):c.2225G>A (p.Arg742His)

Gene: POLE (DNA polymerase epsilon, catalytic subunit; minus strand). Cytogenetic location: 12q24.33.
Variant type: single nucleotide variant.
Coding change: c.2225G>A on transcript NM_006231.4 (MANE Select); coding-DNA position 2225, G replaced by A.
Protein change: p.Arg742His; replaces arginine 742 with histidine.
Molecular consequence: missense variant.
Genome position (GRCh38, 1-based): chr12:132,667,597, C>T on the plus strand (G>A on the coding strand, the complement: POLE is on the minus strand). VCF-style: chr12-132667597-C-T. GRCh37 (hg19) VCF-style: chr12-133244183-C-T.
Other names: short protein forms R742H.
Identifiers: ClinVar variation 246203 (VCV000246203.13), dbSNP rs116360781, ClinGen allele CA6893622.